The following is an entry in ClinVar:

ClinVar aggregate classification (germline): Likely pathogenic (1 of 4 stars; one submission).

Submission:

Genetic Services Laboratory, University of Chicago
Classification: Likely pathogenic. Last evaluated: 2023-05-24. Review status: criteria provided, single submitter. Criteria: ACMG Guidelines, 2015. Collection method: clinical testing. Allele origin: germline. Affected: yes.
Comment: DNA sequence analysis of the TPO gene demonstrated a 88 base pair deletion in exon 16, c.2667_2748+4del. This sequence change results in an amino acid frameshift and creates a premature stop codon 56 amino acids downstream of the change, p.Gly890Argfs*57. This sequence change is predicted to result in an abnormal transcript, which may be degraded, or may lead to the production of a truncated TPO protein with potentially abnormal function. The c.2667_2748+4del sequence change has not been described in population databases such as ExAC and gnomAD. While this deletion has not previously been described in the literature, other deletions in the TPO gene have been described in several individuals with TPO -related hypothyroidism (PMID: 21707688, 16284446), 34220711. These collective evidences indicate that this deletion is likely pathogenic, however functional studies have not been performed to prove this conclusively.

NM_001206744.2(TPO):c.2667_2748+4del

Genes: LALTOP (lung cancer associated lncRNA targeting TOP2A; minus strand), TPO (thyroid peroxidase; plus strand), LOC126806104 (CDK7 strongly-dependent group 2 enhancer GRCh37_chr2:1544276-1545475; plus strand). Cytogenetic location: 2p25.3.
Variant type: Deletion.
Coding change: c.2667_2748+4del on transcript NM_001206744.2 (MANE Select); coding-DNA position 2667 through 4 bases into the intron after coding-DNA position 2748, 86 bases deleted.
Molecular consequence: splice donor variant.
Genome position (GRCh38, 1-based): chr2:1,540,642-1,540,727, 86 bases deleted. GRCh37 (hg19): chr2:1,544,414-1,544,499.
Other names: c.2667_2748+4del (NM_000547.6); c.2496_2577+4del (NM_175719.4, NM_001206745.2); c.2535_2616+4del (NM_175721.3); c.2148_2229+4del (NM_175722.3).
Identifiers: ClinVar variation 4082533 (VCV004082533.2).